The following is an entry in ClinVar:

ClinVar aggregate classification (germline): Uncertain significance. Review status: criteria provided, single submitter (1 of 4 stars). 2 submissions from 2 submitters: Uncertain significance (1). 1 of the submissions does not count toward it. Last evaluated 2024-10-16.

Conditions:
Osteootohepatoenteric syndrome. Identifiers: MedGen C5543557, MONDO:0859164, OMIM 619377.

Allele frequency attached by ClinVar (database versions not stated): gnomAD 0.00001; ExAC 0.00002; ESP Exome Variant Server 0.00015.

Submissions (2):

Labcorp Genetics (formerly Invitae), Labcorp
Classification: Uncertain significance. Last evaluated: 2024-10-16. Review status: criteria provided, single submitter. Criteria: Invitae Variant Classification Sherloc (09022015). Collection method: clinical testing. Allele origin: germline.
Comment: This sequence change creates a premature translational stop signal (p.Arg241*) in the UNC45A gene. It is expected to result in an absent or disrupted protein product. However, the current clinical and genetic evidence is not sufficient to establish whether loss-of-function variants in UNC45A cause disease. This variant is present in population databases (rs148859891, gnomAD 0.006%). This premature translational stop signal has been observed in individual(s) with congenital diarrhea disorder (PMID: 35575086). Algorithms developed to predict the effect of sequence changes on RNA splicing suggest that this variant may disrupt the consensus splice site. In summary, the available evidence is currently insufficient to determine the role of this variant in disease. Therefore, it has been classified as a Variant of Uncertain Significance.

OMIM
Classification: Pathogenic for OSTEOOTOHEPATOENTERIC SYNDROME. Last evaluated: 2024-03-11. Review status: no assertion criteria provided. Collection method: literature only. Allele origin: germline. Not counted in ClinVar's aggregate classification.

Literature cited by the submitters: PubMed 35575086 (cited by Labcorp Genetics (formerly Invitae), Labcorp and OMIM).

NM_018671.5(UNC45A):c.721C>T (p.Arg241Ter)

Gene: UNC45A (unc-45 myosin chaperone A; plus strand). Cytogenetic location: 15q26.1.
Variant type: single nucleotide variant.
Coding change: c.721C>T on transcript NM_018671.5 (MANE Select); coding-DNA position 721, C replaced by T.
Protein change: p.Arg241Ter; replaces arginine 241 with a stop codon.
Molecular consequence: nonsense.
Genome position (GRCh38, 1-based): chr15:90,942,470, C>T. VCF-style: chr15-90942470-C-T. GRCh37 (hg19) VCF-style: chr15-91485700-C-T.
Other names: R241*; c.676C>T, p.Arg226Ter (NM_001039675.2, NM_001323621.2); c.721C>T, p.Arg241Ter (NM_001323619.1); c.286C>T, p.Arg96Ter (NM_001323620.2); short protein forms R226*, R96*.
Identifiers: ClinVar variation 3061785 (VCV003061785.3), dbSNP rs148859891, ClinGen allele CA7742653.